The following is an entry in ClinVar:

NC_000008.10:g.(?_133141509)_(133198448_?)del

Gene: KCNQ3 (potassium voltage-gated channel subfamily Q member 3; minus strand). Cytogenetic location: 8q24.22.
Variant type: Deletion.
Identifiers: ClinVar variation 3245517 (VCV003245517.1).

ClinVar aggregate classification (germline): Uncertain significance (1 of 4 stars; one submission).

Conditions:
Benign neonatal seizures. Also called: Convulsions benign familial neonatal dominant form; Autosomal dominant form of benign neonatal seizures; Benign familial neonatal epilepsy; Benign neonatal familial convulsions; Benign familial neonatal seizures. Identifiers: Orphanet 1949, MedGen C0220669, MONDO:0016027.

Submission:

Labcorp Genetics (formerly Invitae), Labcorp
Classification: Uncertain significance for Benign neonatal seizures. Last evaluated: 2022-11-08. Review status: criteria provided, single submitter. Criteria: Invitae Variant Classification Sherloc (09022015). Collection method: clinical testing. Allele origin: unknown.
Comment: This variant has not been reported in the literature in individuals affected with KCNQ3-related conditions. In summary, the available evidence is currently insufficient to determine the role of this variant in disease. Therefore, it has been classified as a Variant of Uncertain Significance. Experimental studies and prediction algorithms are not available or were not evaluated, and the functional significance of this variant is currently unknown. This variant is a gross deletion of the genomic region encompassing exon(s) 2-15 of the KCNQ3 gene, which includes the termination codon. This deletion extends beyond the assayed region for this gene and therefore may encompass additional genes. While this deletion is not anticipated to lead to nonsense mediated decay, it is expected to alter mRNA translation or result in a truncated protein product.